The following is an entry in ClinVar:

ClinVar aggregate classification (germline): Uncertain significance. Review status: criteria provided, multiple submitters, no conflicts (2 of 4 stars). 2 submissions from 2 submitters: Uncertain significance (2). Last evaluated 2026-02-13.

Conditions:
Hereditary cancer-predisposing syndrome. Also called: Neoplastic Syndromes, Hereditary; Tumor predisposition; Hereditary Cancer Syndrome; Hereditary neoplastic syndrome. Identifiers: Orphanet 140162, MedGen C0027672, MeSH D009386, MONDO:0015356.
Parathyroid carcinoma (PRTC). Also called: CDC73-Related Parathyroid Carcinoma; Parathyroid gland carcinoma. Identifiers: Orphanet 143, MedGen C0687150, MONDO:0012004, OMIM 608266, HP:0006780.

Submissions (2):

Ambry Genetics
Classification: Uncertain significance for Hereditary cancer-predisposing syndrome. Last evaluated: 2026-02-13. Review status: criteria provided, single submitter. Criteria: Ambry Variant Classification Scheme 2023. Collection method: clinical testing. Allele origin: germline.
Comment: The p.A337S variant (also known as c.1009G>T), located in coding exon 11 of the CDC73 gene, results from a G to T substitution at nucleotide position 1009. The alanine at codon 337 is replaced by serine, an amino acid with similar properties. This amino acid position is well conserved in available vertebrate species. In addition, this alteration is predicted to be tolerated by in silico analysis. Based on the available evidence, the clinical significance of this variant remains unclear.

Labcorp Genetics (formerly Invitae), Labcorp
Classification: Uncertain significance for Parathyroid carcinoma. Last evaluated: 2025-09-16. Review status: criteria provided, single submitter. Criteria: Invitae Variant Classification Sherloc (09022015). Collection method: clinical testing. Allele origin: germline.
Comment: This sequence change replaces alanine, which is neutral and non-polar, with serine, which is neutral and polar, at codon 337 of the CDC73 protein (p.Ala337Ser). This variant is not present in population databases (gnomAD no frequency). This variant has not been reported in the literature in individuals affected with CDC73-related conditions. Invitae Evidence Modeling of protein sequence and biophysical properties (such as structural, functional, and spatial information, amino acid conservation, physicochemical variation, residue mobility, and thermodynamic stability) indicates that this missense variant is not expected to disrupt CDC73 protein function with a negative predictive value of 80%. In summary, the available evidence is currently insufficient to determine the role of this variant in disease. Therefore, it has been classified as a Variant of Uncertain Significance.

NM_024529.5(CDC73):c.1009G>T (p.Ala337Ser)

Gene: CDC73 (cell division cycle 73; plus strand). Cytogenetic location: 1q31.2.
Variant type: single nucleotide variant.
Coding change: c.1009G>T on transcript NM_024529.5 (MANE Select); coding-DNA position 1009, G replaced by T.
Protein change: p.Ala337Ser; replaces alanine 337 with serine.
Molecular consequence: missense variant.
Genome position (GRCh38, 1-based): chr1:193,203,831, G>T. VCF-style: chr1-193203831-G-T. GRCh37 (hg19) VCF-style: chr1-193172961-G-T.
Other names: short protein forms A337S.
Identifiers: ClinVar variation 4704358 (VCV004704358.2).